The following is an entry in ClinVar:

NM_030930.4(UNC93B1):c.239-6C>T

Gene: UNC93B1 (unc-93B1 regulator of TLR signaling; minus strand). Cytogenetic location: 11q13.2.
Variant type: single nucleotide variant.
Coding change: c.239-6C>T on transcript NM_030930.4 (MANE Select); 6 bases into the intron before coding-DNA position 239, C replaced by T.
Molecular consequence: intron variant.
Genome position (GRCh38, 1-based): chr11:68,003,181, G>A on the plus strand (C>T on the coding strand, the complement: UNC93B1 is on the minus strand). VCF-style: chr11-68003181-G-A. GRCh37 (hg19) VCF-style: chr11-67770651-G-A.
Identifiers: ClinVar variation 537939 (VCV000537939.39), dbSNP rs182093266, ClinGen allele CA6145698.

ClinVar aggregate classification (germline): Benign/Likely benign. Review status: criteria provided, multiple submitters, no conflicts (2 of 4 stars). 5 submissions from 5 submitters: Benign (1); Likely benign (2). 2 of the submissions do not count toward it. Last evaluated 2026-04-01.

Conditions:
Encephalopathy, acute, infection-induced (herpes-specific), susceptibility to, 1. Also called: Herpes simplex encephalitis, susceptibility to, 1. Identifiers: Orphanet 1930, MedGen C2750180, MONDO:0024563, OMIM 610551.

Allele frequency attached by ClinVar (database versions not stated): 1000 Genomes Project 30x 0.00062; ExAC 0.00167; gnomAD exomes 0.00176 and 0.00239; gnomAD 0.00177 and 0.00183; 1000 Genomes Project 0.00020; TOPMed 0.00193; ESP Exome Variant Server 0.00211.

Submissions (5):

CeGaT Center for Human Genetics Tuebingen
Classification: Likely benign. Last evaluated: 2026-04-01. Review status: criteria provided, single submitter. Criteria: CeGaT Center For Human Genetics Tuebingen Variant Classification Criteria Version 2. Collection method: clinical testing. Allele origin: germline. Affected: yes. Observed: 4 variant alleles.
Comment: UNC93B1: BP4

Labcorp Genetics (formerly Invitae), Labcorp
Classification: Benign for Encephalopathy, acute, infection-induced (herpes-specific), susceptibility to, 1. Last evaluated: 2026-02-01. Review status: criteria provided, single submitter. Criteria: Invitae Variant Classification Sherloc (09022015). Collection method: clinical testing. Allele origin: germline.

Blueprint Genetics
Classification: Likely benign. Last evaluated: 2024-11-07. Review status: criteria provided, single submitter. Criteria: ACMG Guidelines, 2015. Collection method: clinical testing. Allele origin: germline.

Clinical Genetics DNA and cytogenetics Diagnostics Lab, Erasmus MC, Erasmus Medical Center
Classification: Likely benign. Review status: no assertion criteria provided. Collection method: clinical testing. Allele origin: germline. Affected: yes. Study: VKGL Data-share Consensus. Not counted in ClinVar's aggregate classification.

Genome Diagnostics Laboratory, University Medical Center Utrecht
Classification: Likely benign. Review status: no assertion criteria provided. Collection method: clinical testing. Allele origin: germline. Affected: yes. Study: VKGL Data-share Consensus. Not counted in ClinVar's aggregate classification.